The following is an entry in ClinVar:

ClinVar aggregate classification (germline): Uncertain significance (1 of 4 stars; one submission).

Submission:

Labcorp Genetics (formerly Invitae), Labcorp
Classification: Uncertain significance. Last evaluated: 2021-09-19. Review status: criteria provided, single submitter. Criteria: Invitae Variant Classification Sherloc (09022015). Collection method: clinical testing. Allele origin: germline.
Comment: In summary, the available evidence is currently insufficient to determine the role of this variant in disease. Therefore, it has been classified as a Variant of Uncertain Significance. Algorithms developed to predict the effect of missense changes on protein structure and function are either unavailable or do not agree on the potential impact of this missense change (SIFT: "Deleterious"; PolyPhen-2: "Possibly Damaging"; Align-GVGD: "Class C0"). This variant has not been reported in the literature in individuals affected with ADGRB2-related conditions. This variant is not present in population databases (ExAC no frequency). This sequence change replaces leucine with valine at codon 947 of the ADGRB2 protein (p.Leu947Val). The leucine residue is highly conserved and there is a small physicochemical difference between leucine and valine.

NM_001364857.2(ADGRB2):c.2839C>G (p.Leu947Val)

Gene: ADGRB2 (adhesion G protein-coupled receptor B2; minus strand). Cytogenetic location: 1p35.2.
Variant type: single nucleotide variant.
Coding change: c.2839C>G on transcript NM_001364857.2 (MANE Select); coding-DNA position 2839, C replaced by G.
Protein change: p.Leu947Val; replaces leucine 947 with valine.
Molecular consequence: missense variant.
Genome position (GRCh38, 1-based): chr1:31,737,689, G>C on the plus strand (C>G on the coding strand, the complement: ADGRB2 is on the minus strand). VCF-style: chr1-31737689-G-C. GRCh37 (hg19) VCF-style: chr1-32203290-G-C.
Other names: c.2839C>G, p.Leu947Val (NM_001294335.2, NM_001294336.2); short protein forms L947V.
Identifiers: ClinVar variation 1382212 (VCV001382212.6), dbSNP rs140670970, ClinGen allele CA339604682.
Genomic context (GRCh38, chr1:31,737,689, plus strand): 5'-CAAGAGCCAGGTGTCAGACCTACCTCCAAAAGGCGGCATAGATGGCGAGCAGGGTGAGCA[G>C]CGCCATGCACGACACTGCACAGCCGATCACCAGGGGGACCGAGGGGGAGCCCGCCAGCTC-3'
Protein context (NP_001351786.1, residues 937-957): VIGCAVSCMA[Leu947Val]LTLLAIYAAF